The following is an entry in ClinVar:

ClinVar aggregate classification (germline): Uncertain significance (1 of 4 stars; one submission).

Conditions:
Myopathy, centronuclear, 2 (CNM2). Also called: MYOTUBULAR MYOPATHY, AUTOSOMAL RECESSIVE. Identifiers: Orphanet 169186, MedGen CN031787, MONDO:0009709, OMIM 255200.

Allele frequency attached by ClinVar (database versions not stated): gnomAD exomes 0.00001; ExAC 0.00002.
gnomAD v4.1: 18 of 1,613,486 alleles (0.0011%); highest among the groups gnomAD compares: South Asian, 0.0022%; no homozygotes.

Submission:

Labcorp Genetics (formerly Invitae), Labcorp
Classification: Uncertain significance for Myopathy, centronuclear, 2. Last evaluated: 2022-06-22. Review status: criteria provided, single submitter. Criteria: Invitae Variant Classification Sherloc (09022015). Collection method: clinical testing. Allele origin: germline.
Comment: In summary, the available evidence is currently insufficient to determine the role of this variant in disease. Therefore, it has been classified as a Variant of Uncertain Significance. This variant disrupts the p.Arg234 amino acid residue in BIN1. Other variant(s) that disrupt this residue have been determined to be pathogenic (PMID: 29950440). This suggests that this residue is clinically significant, and that variants that disrupt this residue are likely to be disease-causing. Algorithms developed to predict the effect of missense changes on protein structure and function are either unavailable or do not agree on the potential impact of this missense change (SIFT: "Deleterious"; PolyPhen-2: "Probably Damaging"; Align-GVGD: "Class C0"). This variant has not been reported in the literature in individuals affected with BIN1-related conditions. This variant is present in population databases (rs764576627, gnomAD 0.004%). This sequence change replaces arginine, which is basic and polar, with histidine, which is basic and polar, at codon 234 of the BIN1 protein (p.Arg234His).

Literature cited by the submitters: PubMed 29950440.

NM_139343.3(BIN1):c.701G>A (p.Arg234His)

Gene: BIN1 (bridging integrator 1; minus strand). Cytogenetic location: 2q14.3.
Variant type: single nucleotide variant.
Coding change: c.701G>A on transcript NM_139343.3 (MANE Select); coding-DNA position 701, G replaced by A.
Protein change: p.Arg234His; replaces arginine 234 with histidine.
Molecular consequence: missense variant.
Genome position (GRCh38, 1-based): chr2:127,063,644, C>T on the plus strand (G>A on the coding strand, the complement: BIN1 is on the minus strand). VCF-style: chr2-127063644-C-T. GRCh37 (hg19) VCF-style: chr2-127821220-C-T.
Other names: c.608G>A, p.Arg203His (NM_001320632.2, NM_001320641.2, NM_004305.4 and 6 more transcripts); c.701G>A, p.Arg234His (NM_001320633.2, NM_001320640.2, NM_139344.3 and 1 more transcripts); c.536G>A, p.Arg179His (NM_001320634.1); c.620G>A, p.Arg207His (NM_001320642.1); short protein forms R179H, R207H, R203H, R234H.
Identifiers: ClinVar variation 2075649 (VCV002075649.4), dbSNP rs764576627, ClinGen allele CA1857362.